The following is an entry in ClinVar:

ClinVar aggregate classification (germline): Uncertain significance (1 of 4 stars; one submission).

Allele frequency attached by ClinVar (database versions not stated): gnomAD exomes below 0.00001; TOPMed below 0.00001.
gnomAD v4.1: 1 of 1,613,964 alleles (0.000062%); no homozygotes.

Submission:

Labcorp Genetics (formerly Invitae), Labcorp
Classification: Uncertain significance. Last evaluated: 2021-09-05. Review status: criteria provided, single submitter. Criteria: Invitae Variant Classification Sherloc (09022015). Collection method: clinical testing. Allele origin: germline.
Comment: In summary, the available evidence is currently insufficient to determine the role of this variant in disease. Therefore, it has been classified as a Variant of Uncertain Significance. Algorithms developed to predict the effect of missense changes on protein structure and function are either unavailable or do not agree on the potential impact of this missense change (SIFT: "Deleterious"; PolyPhen-2: "Not Available"; Align-GVGD: "Class C0"). This variant has not been reported in the literature in individuals affected with COL10A1-related conditions. This variant is not present in population databases (ExAC no frequency). This sequence change replaces glycine with glutamic acid at codon 165 of the COL10A1 protein (p.Gly165Glu). The glycine residue is moderately conserved and there is a moderate physicochemical difference between glycine and glutamic acid.

NM_000493.4(COL10A1):c.494G>A (p.Gly165Glu)

Genes: NT5DC1 (5'-nucleotidase domain containing 1; plus strand), COL10A1 (collagen type X alpha 1 chain; minus strand). Cytogenetic location: 6q22.1.
Variant type: single nucleotide variant.
Coding change: c.494G>A on transcript NM_000493.4 (MANE Select); coding-DNA position 494, G replaced by A.
Protein change: p.Gly165Glu; replaces glycine 165 with glutamic acid.
Molecular consequence: missense variant. On other transcripts: intron variant (1).
Genome position (GRCh38, 1-based): chr6:116,121,622, C>T on the plus strand (G>A on the coding strand, the complement: COL10A1 is on the minus strand). VCF-style: chr6-116121622-C-T. GRCh37 (hg19) VCF-style: chr6-116442785-C-T.
Other names: c.494G>A, p.Gly165Glu (NM_001424106.1, NM_001424107.1); c.529+3677C>T (NM_152729.3); short protein forms G165E.
Identifiers: ClinVar variation 1411158 (VCV001411158.6), dbSNP rs1321584294, ClinGen allele CA365395285.